The following is an entry in ClinVar:

NM_001206927.2(DNAH8):c.5740C>T (p.Leu1914Phe)

Gene: DNAH8 (dynein axonemal heavy chain 8; plus strand). Cytogenetic location: 6p21.2.
Variant type: single nucleotide variant.
Coding change: c.5740C>T on transcript NM_001206927.2 (MANE Select); coding-DNA position 5740, C replaced by T.
Protein change: p.Leu1914Phe; replaces leucine 1914 with phenylalanine.
Molecular consequence: missense variant.
Genome position (GRCh38, 1-based): chr6:38,857,524, C>T. VCF-style: chr6-38857524-C-T. GRCh37 (hg19) VCF-style: chr6-38825300-C-T.
Other names: c.5089C>T, p.Leu1697Phe (NM_001371.4); short protein forms L1697F, L1914F.
Identifiers: ClinVar variation 2913934 (VCV002913934.3), dbSNP rs1467448925, ClinGen allele CA364017708.

ClinVar aggregate classification (germline): Uncertain significance (1 of 4 stars; one submission).

Conditions:
Primary ciliary dyskinesia. Also called: Ciliary dyskinesia. Identifiers: Orphanet 244, MedGen C0008780, MONDO:0016575, HP:0012265.

Allele frequency attached by ClinVar (database versions not stated): TOPMed below 0.00001.
gnomAD v4.1: 2 of 1,607,492 alleles (0.00012%); highest among the groups gnomAD compares: Non-Finnish European, 0.00017%; no homozygotes.

Submission:

Labcorp Genetics (formerly Invitae), Labcorp
Classification: Uncertain significance for Primary ciliary dyskinesia. Last evaluated: 2023-08-31. Review status: criteria provided, single submitter. Criteria: Invitae Variant Classification Sherloc (09022015). Collection method: clinical testing. Allele origin: germline.
Comment: Advanced modeling of protein sequence and biophysical properties (such as structural, functional, and spatial information, amino acid conservation, physicochemical variation, residue mobility, and thermodynamic stability) performed at Invitae indicates that this missense variant is expected to disrupt DNAH8 protein function. This variant has not been reported in the literature in individuals affected with DNAH8-related conditions. This variant is not present in population databases (gnomAD no frequency). This sequence change replaces leucine, which is neutral and non-polar, with phenylalanine, which is neutral and non-polar, at codon 1914 of the DNAH8 protein (p.Leu1914Phe). In summary, the available evidence is currently insufficient to determine the role of this variant in disease. Therefore, it has been classified as a Variant of Uncertain Significance.